The following is an entry in ClinVar:

ClinVar aggregate classification (germline): Pathogenic/Likely pathogenic. Review status: criteria provided, multiple submitters, no conflicts (2 of 4 stars). 4 submissions from 4 submitters: Pathogenic (1); Likely pathogenic (2). 1 of the submissions does not count toward it. Last evaluated 2025-03-19.

Conditions:
Epilepsy, early-onset, vitamin B6-dependent. Also called: PLPBP Deficiency; EPILEPSY, EARLY-ONSET, 1, VITAMIN B6-DEPENDENT. Identifiers: MedGen C4310632, MONDO:0015005, OMIM 617290.

Allele frequency attached by ClinVar (database versions not stated): ExAC 0.00002; gnomAD exomes 0.00002; TOPMed 0.00003; gnomAD 0.00006.
gnomAD v4.1: 102 of 1,609,148 alleles (0.0063%); highest among the groups gnomAD compares: Non-Finnish European, 0.0082%; no homozygotes.

Submissions (4):

Labcorp Genetics (formerly Invitae), Labcorp
Classification: Pathogenic. Last evaluated: 2025-03-19. Review status: criteria provided, single submitter. Criteria: Invitae Variant Classification Sherloc (09022015). Collection method: clinical testing. Allele origin: germline.
Comment: This sequence change replaces proline, which is neutral and non-polar, with leucine, which is neutral and non-polar, at codon 87 of the PROSC protein (p.Pro87Leu). This variant is present in population databases (rs755946598, gnomAD 0.008%). This missense change has been observed in individual(s) with clinical features of pyridoxine-dependent epilepsy (PMID: 27912044, 28391250, 29689137, 33766999). In at least one individual the data is consistent with being in trans (on the opposite chromosome) from a pathogenic variant. ClinVar contains an entry for this variant (Variation ID: 374856). Invitae Evidence Modeling of protein sequence and biophysical properties (such as structural, functional, and spatial information, amino acid conservation, physicochemical variation, residue mobility, and thermodynamic stability) indicates that this missense variant is not expected to disrupt PROSC protein function with a negative predictive value of 80%. Experimental studies are conflicting or provide insufficient evidence to determine the effect of this variant on PROSC function (PMID: 27912044, 29689137). For these reasons, this variant has been classified as Pathogenic.

GeneDx
Classification: Likely pathogenic. Last evaluated: 2023-09-01. Review status: criteria provided, single submitter. Criteria: GeneDx Variant Classification Process June 2021. Collection method: clinical testing. Allele origin: germline. Affected: yes.
Comment: In silico analysis supports that this missense variant has a deleterious effect on protein structure/function; This variant is associated with the following publications: (PMID: 29689137, 28914444, 28391250, 27912044, 33766999, 33728241, 36007526, 33425341)

Rady Children's Institute for Genomic Medicine, Rady Children's Hospital San Diego
Classification: Likely pathogenic for EPILEPSY, EARLY-ONSET, VITAMIN B6-DEPENDENT. Last evaluated: 2020-01-16. Review status: criteria provided, single submitter. Criteria: ACMG Guidelines, 2015. Collection method: clinical testing. Allele origin: germline. Affected: yes.
Comment: This variant has been previously reported as compound heterozygous change and as homozygous change in patients with Epilepsy, early-onset, vitamin B6-dependent (PMID: 27912044, 28391250). Based on complementation studies in PROSC-deficient E. coli the p.Pro87Leu protein appeared to retained some function (PMID: 27912044). Additional functional studies in bacteria showed that the p.Pro87Leu variant results in decreased protein solubility (PMID: 29689137). It is present in the heterozygous state in the gnomAD population database at a frequency of 0.003% (7/278808) and is absent in the homozygous state, thus is presumed to be rare. In silico tools used to predict the effect of this variant on protein function yield discordant results. Based on the available evidence, the c.260C>T (p.Pro87Leu) variant is classified as Likely Pathogenic.

OMIM
Classification: Pathogenic for EPILEPSY, EARLY-ONSET, 1, VITAMIN B6-DEPENDENT. Last evaluated: 2023-08-14. Review status: no assertion criteria provided. Collection method: literature only. Allele origin: germline. Not counted in ClinVar's aggregate classification.

Literature cited by the submitters: PubMed 27912044 (cited by Labcorp Genetics (formerly Invitae), Labcorp and OMIM); PubMed 28391250 (cited by Labcorp Genetics (formerly Invitae), Labcorp); PubMed 29689137 (cited by Labcorp Genetics (formerly Invitae), Labcorp); PubMed 33766999 (cited by Labcorp Genetics (formerly Invitae), Labcorp).

NM_007198.4(PLPBP):c.260C>T (p.Pro87Leu)

Gene: PLPBP (pyridoxal phosphate binding protein; plus strand). Cytogenetic location: 8p11.23.
Variant type: single nucleotide variant.
Coding change: c.260C>T on transcript NM_007198.4 (MANE Select); coding-DNA position 260, C replaced by T.
Protein change: p.Pro87Leu; replaces proline 87 with leucine.
Molecular consequence: missense variant.
Genome position (GRCh38, 1-based): chr8:37,766,296, C>T. VCF-style: chr8-37766296-C-T. GRCh37 (hg19) VCF-style: chr8-37623814-C-T.
Other names: c.260C>T, p.Pro87Leu (NM_001349346.2); c.254C>T, p.Pro85Leu (NM_001349347.2); c.104C>T, p.Pro35Leu (NM_001349348.2); c.365C>T, p.Pro122Leu (NM_001349349.1); short protein forms P87L, P85L, P122L, P35L.
Identifiers: ClinVar variation 374856 (VCV000374856.12), dbSNP rs755946598, ClinGen allele CA4711191.